The following is an entry in ClinVar:

ClinVar aggregate classification (germline): Uncertain significance (1 of 4 stars; one submission).

Submission:

Athena Diagnostics
Classification: Uncertain significance. Last evaluated: 2025-07-31. Review status: criteria provided, single submitter. Criteria: Athena Diagnostics Criteria. Collection method: clinical testing. Allele origin: unknown.
Comment: Available data are insufficient to determine the clinical significance of the variant at this time. This variant has not been reported in large, multi-ethnic general populations. Polyphen and MutationTaster predict this amino acid change may be benign.

NM_001378452.1(ITPR1):c.3502G>A (p.Gly1168Arg)

Gene: ITPR1 (inositol 1,4,5-trisphosphate receptor type 1; plus strand). Cytogenetic location: 3p26.1.
Variant type: single nucleotide variant.
Coding change: c.3502G>A on transcript NM_001378452.1 (MANE Select); coding-DNA position 3502, G replaced by A.
Protein change: p.Gly1168Arg; replaces glycine 1168 with arginine.
Molecular consequence: missense variant.
Genome position (GRCh38, 1-based): chr3:4,684,284, G>A. VCF-style: chr3-4684284-G-A. GRCh37 (hg19) VCF-style: chr3-4725968-G-A.
Other names: c.3475G>A, p.Gly1159Arg (NM_001099952.4); c.3457G>A, p.Gly1153Arg (NM_001168272.2); c.3430G>A, p.Gly1144Arg (NM_002222.7); short protein forms G1144R, G1153R, G1159R, G1168R.
Identifiers: ClinVar variation 4682342 (VCV004682342.1).